The following is an entry in ClinVar:

NM_000091.5(COL4A3):c.1505-11T>C

Genes: COL4A3 (collagen type IV alpha 3 chain; plus strand), MFF-DT (MFF divergent transcript; minus strand). Cytogenetic location: 2q36.3.
Variant type: single nucleotide variant.
Coding change: c.1505-11T>C on transcript NM_000091.5 (MANE Select); 11 bases into the intron before coding-DNA position 1505, T replaced by C.
Molecular consequence: intron variant.
Genome position (GRCh38, 1-based): chr2:227,269,899, T>C. VCF-style: chr2-227269899-T-C. GRCh37 (hg19) VCF-style: chr2-228134615-T-C.
Identifiers: ClinVar variation 254983 (VCV000254983.21), dbSNP rs115757151, ClinGen allele CA2146694.

ClinVar aggregate classification (germline): Benign. Review status: criteria provided, multiple submitters, no conflicts (2 of 4 stars). 7 submissions from 7 submitters: Benign (7). Last evaluated 2026-02-02.

Conditions:
Alport syndrome. Also called: Hemorrhagic familial nephritis; Hemorrhagic hereditary nephritis; Congenital hereditary hematuria. Identifiers: Orphanet 63, MedGen C1567741, MONDO:0018965.

Allele frequency attached by ClinVar (database versions not stated): gnomAD exomes 0.00083 and 0.00222; ExAC 0.00260; 1000 Genomes Project 0.00679; 1000 Genomes Project 30x 0.00859; gnomAD 0.00883 and 0.00959; TOPMed 0.01010; ESP Exome Variant Server 0.01121.
gnomAD v4.1: 2,624 of 1,613,354 alleles (0.16%); highest among the groups gnomAD compares: African/African-American, 3.1%; 45 homozygotes.

Submissions (9):

Labcorp Genetics (formerly Invitae), Labcorp
Classification: Benign. Last evaluated: 2026-02-02. Review status: criteria provided, single submitter. Criteria: Invitae Variant Classification Sherloc (09022015). Collection method: clinical testing. Allele origin: germline.

Women's Health and Genetics/Laboratory Corporation of America, LabCorp
Classification: Benign. Last evaluated: 2020-02-03. Review status: criteria provided, single submitter. Criteria: LabCorp Variant Classification Summary - May 2015. Collection method: clinical testing. Allele origin: germline.
Comment: Variant summary: COL4A3 c.1505-11T>C alters a non-conserved nucleotide located close to a canonical splice site and therefore could affect mRNA splicing, leading to a significantly altered protein sequence. 3/4 computational tools predict no significant impact on normal splicing. However, these predictions have yet to be confirmed by functional studies. The variant allele was found at a frequency of 0.0022 in 249292 control chromosomes, predominantly at a frequency of 0.032 within the African or African-American subpopulation in the gnomAD database, including 10 homozygotes. The observed variant frequency within African or African-American control individuals in the gnomAD database is approximately 16 fold of the estimated maximal expected allele frequency for a pathogenic variant in COL4A3 causing Alport Syndrome, autosomal recessive phenotype (0.002), strongly suggesting that the variant is a benign polymorphism found primarily in populations of African or African-American origin. To our knowledge, no occurrence of c.1505-11T>C in individuals affected with Alport Syndrome, autosomal recessive and no experimental evidence demonstrating its impact on protein function have been reported. One ClinVar submitter (evaluation after 2014) cite the variant as benign. Based on the evidence outlined above, the variant was classified as benign.

GeneDx
Classification: Benign. Last evaluated: 2019-08-16. Review status: criteria provided, single submitter. Criteria: GeneDx Variant Classification Process June 2021. Collection method: clinical testing. Allele origin: germline. Affected: yes.

Illumina Laboratory Services, Illumina
Classification: Benign for Alport syndrome. Last evaluated: 2017-04-27. Review status: criteria provided, single submitter. Criteria: ICSL Variant Classification Criteria 13 December 2019. Collection method: clinical testing. Allele origin: germline.
Comment: This variant was observed as part of a predisposition screen in an ostensibly healthy population. A literature search was performed for the gene, cDNA change, and amino acid change (where applicable). No publications were found based on this search. Allele frequency data from public databases was too high to be consistent with this variant causing disease. Therefore, this variant is classified as benign.

Laboratory for Molecular Medicine, Mass General Brigham Personalized Medicine
Classification: Benign. Last evaluated: 2016-03-21. Review status: criteria provided, single submitter. Criteria: LMM Criteria. Collection method: clinical testing. Allele origin: germline. Observed: 2 variant alleles.
Comment: c.1505-11T>C in intron 23 of COL4A3: This variant is not expected to have clinic al significance because a T>C change at this position does not diverge from the splice consensus sequence and is therefore unlikely to impact splicing. It has b een identified in 3.00% (290/9672) of African chromosomes by the Exome Aggregati on Consortium (ExAC; dbSNP rs115757151).

Breakthrough Genomics
Classification: Benign. Review status: criteria provided, single submitter. Criteria: ACMG Guidelines, 2015. Collection method: not provided. Allele origin: germline. Inheritance: Autosomal recessive inheritance. Affected: yes.

PreventionGenetics, part of Exact Sciences
Classification: Benign. Review status: criteria provided, single submitter. Criteria: ACMG Guidelines, 2015. Collection method: clinical testing. Allele origin: germline.

Dr. Peter K. Rogan Lab, Western University
No classification provided (evidence only). Condition: Acute myeloid leukemia. Review status: no classification provided. Collection method: in vitro. Allele origin: not applicable. Functional consequence: retained intron. Not counted in ClinVar's aggregate classification.

Dr. Peter K. Rogan Lab, Western University
No classification provided (evidence only). Condition: Uterine corpus endometrial carcinoma. Review status: no classification provided. Collection method: in vitro. Allele origin: not applicable. Functional consequence: retained intron. Not counted in ClinVar's aggregate classification.